The following is an entry in ClinVar:

NM_018389.5(SLC35C1):c.344G>A (p.Arg115His)

Gene: SLC35C1 (solute carrier family 35 member C1; plus strand). Cytogenetic location: 11p11.2.
Variant type: single nucleotide variant.
Coding change: c.344G>A on transcript NM_018389.5 (MANE Select); coding-DNA position 344, G replaced by A.
Protein change: p.Arg115His; replaces arginine 115 with histidine.
Molecular consequence: missense variant.
Genome position (GRCh38, 1-based): chr11:45,806,145, G>A. VCF-style: chr11-45806145-G-A. GRCh37 (hg19) VCF-style: chr11-45827696-G-A.
Other names: c.305G>A, p.Arg102His (NM_001145265.2, NM_001145266.2); short protein forms R115H, R102H.
Identifiers: ClinVar variation 1949767 (VCV001949767.2), dbSNP rs747835712, ClinGen allele CA5958227.

ClinVar aggregate classification (germline): Uncertain significance (1 of 4 stars; one submission).

Conditions:
Leukocyte adhesion deficiency type II. Also called: CONGENITAL DISORDER OF GLYCOSYLATION, TYPE IIc; CDG IIc; Congenital disorder of glycosylation type 2C; CDG 2C; Leukocyte adhesion deficiency type 2; Rambam Hasharon syndrome. Identifiers: Orphanet 2968, Orphanet 99843, MedGen C0398739, MONDO:0009953, OMIM 266265.

Allele frequency attached by ClinVar (database versions not stated): TOPMed below 0.00001; ExAC 0.00002.

Submission:

Labcorp Genetics (formerly Invitae), Labcorp
Classification: Uncertain significance for Leukocyte adhesion deficiency type II. Last evaluated: 2022-08-16. Review status: criteria provided, single submitter. Criteria: Invitae Variant Classification Sherloc (09022015). Collection method: clinical testing. Allele origin: germline.
Comment: This sequence change replaces arginine, which is basic and polar, with histidine, which is basic and polar, at codon 115 of the SLC35C1 protein (p.Arg115His). This variant is present in population databases (rs747835712, gnomAD 0.003%). This variant has not been reported in the literature in individuals affected with SLC35C1-related conditions. Algorithms developed to predict the effect of missense changes on protein structure and function output the following: SIFT: "Tolerated"; PolyPhen-2: "Benign"; Align-GVGD: "Class C0". The histidine amino acid residue is found in multiple mammalian species, which suggests that this missense change does not adversely affect protein function. In summary, the available evidence is currently insufficient to determine the role of this variant in disease. Therefore, it has been classified as a Variant of Uncertain Significance.